The following is an entry in ClinVar:

ClinVar aggregate classification (germline): Pathogenic (1 of 4 stars; one submission).

Submission:

Labcorp Genetics (formerly Invitae), Labcorp
Classification: Pathogenic. Last evaluated: 2022-09-06. Review status: criteria provided, single submitter. Criteria: Invitae Variant Classification Sherloc (09022015). Collection method: clinical testing. Allele origin: germline.
Comment: This variant is not present in population databases (gnomAD no frequency). For these reasons, this variant has been classified as Pathogenic. ClinVar contains an entry for this variant (Variation ID: 1465534). This premature translational stop signal has been observed in individual(s) with retinitis pigmentosa (PMID: 30902645). This sequence change creates a premature translational stop signal (p.Arg24Glnfs*6) in the PDE6G gene. It is expected to result in an absent or disrupted protein product. Loss-of-function variants in PDE6G are known to be pathogenic (PMID: 20655036, 25097241, 30902645).

Literature cited by the submitters: PubMed 30902645; PubMed 20655036; PubMed 25097241.

NM_002602.4(PDE6G):c.69dup (p.Arg24fs)

Gene: PDE6G (phosphodiesterase 6G; minus strand). Cytogenetic location: 17q25.3.
Variant type: Duplication.
Coding change: c.69dup on transcript NM_002602.4 (MANE Select); coding-DNA position 69, one base duplicated (C; older notation c.69dupC).
Protein change: p.Arg24fs; shifts the reading frame from arginine 24.
Molecular consequence: frameshift variant.
Genome position (GRCh38, 1-based): chr17:81,653,237, G duplicated on the plus strand (C on the coding strand, the reverse complement: PDE6G is on the minus strand); the first of 5 consecutive G bases (chr17:81,653,237-81,653,241); duplicating any one gives the same sequence. VCF-style (leftmost placement, unchanged base first): chr17-81653236-T-TG. GRCh37 (hg19) VCF-style: chr17-79620266-T-TG.
Other names: c.69dup, p.Arg24fs (NM_001365724.1, NM_001365725.1); short protein forms R24fs.
Identifiers: ClinVar variation 1465534 (VCV001465534.6), dbSNP rs2036392272, ClinGen allele CA2278621223.